The following is an entry in ClinVar:

ClinVar aggregate classification (germline): Uncertain significance. Review status: criteria provided, multiple submitters, no conflicts (2 of 4 stars). 3 submissions from 3 submitters: Uncertain significance (3). Last evaluated 2025-01-01.

Conditions:
Inborn genetic diseases. Identifiers: MedGen C0950123, MeSH D030342.
Karyomegalic interstitial nephritis. Identifiers: Orphanet 401996, MedGen C3553774, MONDO:0013898, OMIM 614817.
FAN1-related disorder. Also called: FAN1-related condition.

Allele frequency attached by ClinVar (database versions not stated): ExAC 0.00002; TOPMed 0.00005; gnomAD 0.00006; gnomAD exomes 0.00007.
gnomAD v4.1: 118 of 1,613,540 alleles (0.0073%); highest among the groups gnomAD compares: Non-Finnish European, 0.0083%; no homozygotes.

Submissions (3):

PreventionGenetics, part of Exact Sciences
Classification: Uncertain significance for FAN1-related condition. Last evaluated: 2025-01-01. Review status: criteria provided, single submitter. Criteria: ACMG Guidelines, 2015. Collection method: clinical testing. Allele origin: germline.
Comment: The FAN1 c.2945G>A variant is predicted to result in the amino acid substitution p.Arg982His. To our knowledge, this variant has not been reported in the literature. This variant is reported in 0.0066% of alleles in individuals of South Asian descent in gnomAD. This variant is interpreted as uncertain in ClinVar. At this time, the clinical significance of this variant is uncertain due to the absence of conclusive functional and genetic evidence.

Fulgent Genetics
Classification: Uncertain significance for Karyomegalic interstitial nephritis. Last evaluated: 2024-05-02. Review status: criteria provided, single submitter. Criteria: ACMG Guidelines, 2015. Collection method: clinical testing. Allele origin: germline.

Ambry Genetics
Classification: Uncertain significance for Inborn genetic diseases. Last evaluated: 2023-09-29. Review status: criteria provided, single submitter. Criteria: Ambry Variant Classification Scheme 2023. Collection method: clinical testing. Allele origin: germline.

NM_014967.5(FAN1):c.2945G>A (p.Arg982His)

Genes: FAN1 (FANCD2 and FANCI associated nuclease 1; plus strand), MTMR10 (myotubularin related protein 10; minus strand). Cytogenetic location: 15q13.3.
Variant type: single nucleotide variant.
Coding change: c.2945G>A on transcript NM_014967.5 (MANE Select); coding-DNA position 2945, G replaced by A.
Protein change: p.Arg982His; replaces arginine 982 with histidine.
Molecular consequence: missense variant.
Genome position (GRCh38, 1-based): chr15:30,937,147, G>A. VCF-style: chr15-30937147-G-A. GRCh37 (hg19) VCF-style: chr15-31229350-G-A.
Other names: short protein forms R982H.
Identifiers: ClinVar variation 3092771 (VCV003092771.3), dbSNP rs369323241, ClinGen allele CA7450835.